The following is an entry in ClinVar:

NM_001080512.3(BICC1):c.2253C>T (p.Val751=)

Genes: BICC1 (BicC family RNA binding protein 1; plus strand), LOC126860938 (MED14-independent group 3 enhancer GRCh37_chr10:60566642-60567841; plus strand). Cytogenetic location: 10q21.1.
Variant type: single nucleotide variant.
Coding change: c.2253C>T on transcript NM_001080512.3 (MANE Select); coding-DNA position 2253, C replaced by T.
Protein change: p.Val751=; no amino-acid change (valine 751 retained).
Molecular consequence: synonymous variant.
Genome position (GRCh38, 1-based): chr10:58,807,035, C>T. VCF-style: chr10-58807035-C-T. GRCh37 (hg19) VCF-style: chr10-60566795-C-T.
Identifiers: ClinVar variation 4983339 (VCV004983339.1).
Genomic context (GRCh38, chr10:58,807,035, plus strand): 5'-CAAGCATTGGTTTTATTTTGTTTCCAAAGCTATGTTAAAGAAACCAGTGGTGACGGAGGT[C>T]AGAACGCCCACAAATACCTGGAGTGGCCTGGGTTTTTCTAAATCCATGCCAGCTGAAACT-3'
Protein context (NP_001073981.1, residues 741-761): AMLKKPVVTE[Val751=]RTPTNTWSGL

ClinVar aggregate classification (germline): Likely benign (1 of 4 stars; one submission).

Conditions:
BICC1-related disorder. Also called: BICC1-related condition.

gnomAD v4.1: 115 of 1,613,730 alleles (0.0071%); highest among the groups gnomAD compares: South Asian, 0.13%; 2 homozygotes.

Submission:

PreventionGenetics, part of Exact Sciences
Classification: Likely benign for BICC1-related condition. Last evaluated: 2025-07-15. Review status: criteria provided, single submitter. Criteria: ACMG Guidelines, 2015. Collection method: clinical testing. Allele origin: germline.
Comment: This variant is classified as likely benign based on ACMG/AMP sequence variant interpretation guidelines (Richards et al. 2015 PMID: 25741868, with internal and published modifications).